The following is an entry in ClinVar:

NM_017934.7(PHIP):c.2538-8C>G

Gene: PHIP (PHIP subunit of CUL4-Ring ligase complex; minus strand). Cytogenetic location: 6q14.1.
Variant type: single nucleotide variant.
Coding change: c.2538-8C>G on transcript NM_017934.7 (MANE Select); 8 bases into the intron before coding-DNA position 2538, C replaced by G.
Molecular consequence: intron variant.
Genome position (GRCh38, 1-based): chr6:78,983,125, G>C on the plus strand (C>G on the coding strand, the complement: PHIP is on the minus strand). VCF-style: chr6-78983125-G-C. GRCh37 (hg19) VCF-style: chr6-79692842-G-C.
Other names: c.2538-8C>G (NM_017934.6).
Identifiers: ClinVar variation 1335631 (VCV001335631.43), dbSNP rs369962833, ClinGen allele CA3899905.

ClinVar aggregate classification (germline): Likely benign. Review status: criteria provided, multiple submitters, no conflicts (2 of 4 stars). 5 submissions from 5 submitters: Likely benign (4). 1 of the submissions does not count toward it. Last evaluated 2026-02-02.

Conditions:
PHIP-related disorder. Also called: PHIP-related condition; PHIP-related disorders.

Allele frequency attached by ClinVar (database versions not stated): gnomAD 0.00018 and 0.00019; TOPMed 0.00018; ExAC 0.00021; gnomAD exomes 0.00021; ESP Exome Variant Server 0.00038.
gnomAD v4.1: 284 of 1,438,846 alleles (0.02%); highest among the groups gnomAD compares: Non-Finnish European, 0.026%; no homozygotes.

Submissions (6):

Labcorp Genetics (formerly Invitae), Labcorp
Classification: Likely benign. Last evaluated: 2026-02-02. Review status: criteria provided, single submitter. Criteria: Invitae Variant Classification Sherloc (09022015). Collection method: clinical testing. Allele origin: germline.

CeGaT Center for Human Genetics Tuebingen
Classification: Likely benign. Last evaluated: 2025-11-01. Review status: criteria provided, single submitter. Criteria: CeGaT Center For Human Genetics Tuebingen Variant Classification Criteria Version 2. Collection method: clinical testing. Allele origin: germline. Affected: yes. Observed: 5 variant alleles.
Comment: PHIP: BP4

Laboratory of Genetics, Children's Clinical University Hospital Latvia
Classification: Likely benign. Last evaluated: 2025-02-16. Review status: criteria provided, single submitter. Criteria: ACMG Guidelines, 2015. Collection method: clinical testing. Allele origin: germline. Affected: yes.

Blueprint Genetics
Classification: Likely benign. Last evaluated: 2024-08-16. Review status: criteria provided, single submitter. Criteria: ACMG Guidelines, 2015. Collection method: clinical testing. Allele origin: germline.

PreventionGenetics, part of Exact Sciences
Classification: Likely benign for PHIP-related condition. Last evaluated: 2019-12-02. Review status: no assertion criteria provided. Collection method: clinical testing. Allele origin: germline. Not counted in ClinVar's aggregate classification.
Comment: This variant is classified as likely benign based on ACMG/AMP sequence variant interpretation guidelines (Richards et al. 2015 PMID: 25741868, with internal and published modifications).

Dr. Peter K. Rogan Lab, Western University
No classification provided (evidence only). Condition: Familial cancer of breast. Review status: no classification provided. Collection method: in vitro. Allele origin: not applicable. Functional consequence: retained intron. Not counted in ClinVar's aggregate classification.